The following is an entry in ClinVar:

NM_031272.5(TEX14):c.555-5T>G

Genes: TEX14 (testis expressed 14, intercellular bridge forming factor; minus strand), LOC130061305 (ATAC-STARR-seq lymphoblastoid active region 12486; plus strand). Cytogenetic location: 17q22.
Variant type: single nucleotide variant.
Coding change: c.555-5T>G on transcript NM_031272.5 (MANE Select); 5 bases into the intron before coding-DNA position 555, T replaced by G.
Molecular consequence: intron variant.
Genome position (GRCh38, 1-based): chr17:58,617,624, A>C on the plus strand (T>G on the coding strand, the complement: TEX14 is on the minus strand). VCF-style: chr17-58617624-A-C. GRCh37 (hg19) VCF-style: chr17-56694985-A-C.
Other names: c.555-5T>G (NM_198393.4, NM_001201457.2).
Identifiers: ClinVar variation 4880040 (VCV004880040.1).
Genomic context (GRCh38, chr17:58,617,624, plus strand): 5'-TTTGAGCAGAAATGACTCCAGCTTTAAGCAGTCGGTTAGGAGAGCCATTAGGGTTTCTAG[A>C]AATATTTAAAACAGGAAAAAAACCTCAGAATTAACCACTCATATCCAGAATAATAATGCT-3'

ClinVar aggregate classification (germline): Uncertain significance (1 of 4 stars; one submission).

Conditions:
Spermatogenic failure 23. Identifiers: MedGen C4540185, MONDO:0054727, OMIM 617707.

gnomAD v4.1: 3 of 1,606,994 alleles (0.00019%); highest among the groups gnomAD compares: Middle Eastern, 0.05%; 1 homozygote.

Submission:

Department of Molecular Genetics, Istishari Arab Hospital
Classification: Uncertain significance for Spermatogenic failure 23. Last evaluated: 2026-08-03. Review status: criteria provided, single submitter. Criteria: ACMG Guidelines, 2015. Collection method: clinical testing. Allele origin: germline. Inheritance: Autosomal recessive inheritance. Affected: yes.
Comment: The TEX14 variant c.555-5T>G is an intronic variant predicted by in silico splicing tools to alter normal splicing. This variant was observed with very low frequency in the gnomAD v4.1.0 dataset (<0.001), and to the best of our knowledge, it was not previously reported in the literature. It is classified as a variant of uncertain significance based on the implementation of the ACMG/AMP/ClinGen SVI guidelines.